The following is an entry in ClinVar:

NM_002637.4(PHKA1):c.1973A>G (p.Asp658Gly)

Gene: PHKA1 (phosphorylase kinase regulatory subunit alpha 1; minus strand). Cytogenetic location: Xq13.1.
Variant type: single nucleotide variant.
Coding change: c.1973A>G on transcript NM_002637.4 (MANE Select); coding-DNA position 1973, A replaced by G.
Protein change: p.Asp658Gly; replaces aspartic acid 658 with glycine.
Molecular consequence: missense variant. On other transcripts: intron variant (1).
Genome position (GRCh38, 1-based): chrX:72,620,889, T>C on the plus strand (A>G on the coding strand, the complement: PHKA1 is on the minus strand). VCF-style: chrX-72620889-T-C. GRCh37 (hg19) VCF-style: chrX-71840739-T-C.
Other names: c.1973A>G, p.Asp658Gly (NM_001122670.2, NM_001431068.1); c.1961-1584A>G (NM_001172436.2); short protein forms D658G.
Identifiers: ClinVar variation 3673783 (VCV003673783.2).

ClinVar aggregate classification (germline): Uncertain significance (1 of 4 stars; one submission).

Conditions:
Glycogen storage disease IXd (GSD9D). Also called: GSD IXd; Muscle Phosphorylase Kinase Deficiency. Identifiers: Orphanet 715, MedGen C1845151, MONDO:0010362, OMIM 300559.

gnomAD v4.1: 3 of 1,207,873 alleles (0.00025%); highest among the groups gnomAD compares: African/African-American, 0.0053%; no homozygotes.

Submission:

Labcorp Genetics (formerly Invitae), Labcorp
Classification: Uncertain significance for Glycogen storage disease IXd. Last evaluated: 2024-10-16. Review status: criteria provided, single submitter. Criteria: Invitae Variant Classification Sherloc (09022015). Collection method: clinical testing. Allele origin: germline.
Comment: This sequence change replaces aspartic acid, which is acidic and polar, with glycine, which is neutral and non-polar, at codon 658 of the PHKA1 protein (p.Asp658Gly). This variant is present in population databases (rs141479442, gnomAD 0.008%). This variant has not been reported in the literature in individuals affected with PHKA1-related conditions. Invitae Evidence Modeling of protein sequence and biophysical properties (such as structural, functional, and spatial information, amino acid conservation, physicochemical variation, residue mobility, and thermodynamic stability) indicates that this missense variant is not expected to disrupt PHKA1 protein function with a negative predictive value of 80%. In summary, the available evidence is currently insufficient to determine the role of this variant in disease. Therefore, it has been classified as a Variant of Uncertain Significance.